The following is an entry in ClinVar:

ClinVar aggregate classification (germline): Benign/Likely benign. Review status: criteria provided, multiple submitters, no conflicts (2 of 4 stars). 3 submissions from 2 submitters: Benign (2); Likely benign (1). Last evaluated 2018-01-13.

Conditions:
Neural tube defect (NTD). Also called: Neural tube defects. Identifiers: Orphanet 3388, Orphanet 823, MedGen C0027794, MONDO:0018075, HP:0045005.
Sacral defect with anterior meningocele. Identifiers: MedGen C1838568, OMIM 600145.

Allele frequency attached by ClinVar (database versions not stated): gnomAD 0.24227 and 0.24347; TOPMed 0.24883; 1000 Genomes Project 30x 0.27264; 1000 Genomes Project 0.27456.

Submissions (10):

Illumina Laboratory Services, Illumina
Classification: Benign for Sacral defect with anterior meningocele. Last evaluated: 2018-01-13. Review status: criteria provided, single submitter. Criteria: ICSL Variant Classification Criteria 13 December 2019. Collection method: clinical testing. Allele origin: germline.
Comment: This variant was observed in the ICSL laboratory as part of a predisposition screen in an ostensibly healthy population. It had not been previously curated by ICSL or reported in the Human Gene Mutation Database (HGMD: prior to June 1st, 2018), and was therefore a candidate for classification through an automated scoring system. Utilizing variant allele frequency, disease prevalence and penetrance estimates, and inheritance mode, an automated score was calculated to assess if this variant is too frequent to cause the disease. Based on the score and internal cut-off values, a variant classified as benign is not then subjected to further curation. The score for this variant resulted in a classification of benign for this disease.

Illumina Laboratory Services, Illumina
Classification: Benign for Neural tube defects, susceptibility to. Last evaluated: 2018-01-13. Review status: criteria provided, single submitter. Criteria: ICSL Variant Classification Criteria 13 December 2019. Collection method: clinical testing. Allele origin: germline.
Comment: the same text as in the submission from Illumina Laboratory Services, Illumina above.

Breakthrough Genomics
Classification: Likely benign. Review status: criteria provided, single submitter. Criteria: ACMG Guidelines, 2015. Collection method: not provided. Allele origin: germline. Inheritance: Autosomal dominant inheritance. Affected: yes.

Dr. Peter K. Rogan Lab, Western University
No classification provided (evidence only). Condition: Acute myeloid leukemia. Review status: no classification provided. Collection method: in vitro. Allele origin: not applicable. Functional consequence: retained intron. Not counted in ClinVar's aggregate classification.

Dr. Peter K. Rogan Lab, Western University
No classification provided (evidence only). Condition: Acute myeloid leukemia. Review status: no classification provided. Collection method: in vitro. Allele origin: not applicable. Functional consequence: retained intron. Not counted in ClinVar's aggregate classification.

Dr. Peter K. Rogan Lab, Western University
No classification provided (evidence only). Condition: Acute myeloid leukemia. Review status: no classification provided. Collection method: in vitro. Allele origin: not applicable. Functional consequence: retained intron. Not counted in ClinVar's aggregate classification.

Dr. Peter K. Rogan Lab, Western University
No classification provided (evidence only). Condition: Cervical cancer. Review status: no classification provided. Collection method: in vitro. Allele origin: not applicable. Functional consequence: retained intron. Not counted in ClinVar's aggregate classification.

Dr. Peter K. Rogan Lab, Western University
No classification provided (evidence only). Condition: Malignant tumor of esophagus. Review status: no classification provided. Collection method: in vitro. Allele origin: not applicable. Functional consequence: retained intron. Not counted in ClinVar's aggregate classification.

Dr. Peter K. Rogan Lab, Western University
No classification provided (evidence only). Condition: Acute myeloid leukemia. Review status: no classification provided. Collection method: in vitro. Allele origin: not applicable. Functional consequence: retained intron. Not counted in ClinVar's aggregate classification.

Dr. Peter K. Rogan Lab, Western University
No classification provided (evidence only). Condition: Acute myeloid leukemia. Review status: no classification provided. Collection method: in vitro. Allele origin: not applicable. Functional consequence: retained intron. Not counted in ClinVar's aggregate classification.

NM_138959.3(VANGL1):c.*6026G>A

Gene: VANGL1 (VANGL planar cell polarity protein 1; plus strand). Cytogenetic location: 1p13.1.
Variant type: single nucleotide variant.
Coding change: c.*6026G>A on transcript NM_138959.3 (MANE Select); 6026 bases downstream of the stop codon, G replaced by A.
Molecular consequence: 3 prime UTR variant.
Genome position (GRCh38, 1-based): chr1:115,697,405, G>A. VCF-style: chr1-115697405-G-A. GRCh37 (hg19) VCF-style: chr1-116240026-G-A.
Other names: NC_000001.10:g.116240026G>A; c.*6026G>A (NM_001172411.2, NM_001172412.2).
Identifiers: ClinVar variation 292102 (VCV000292102.9), dbSNP rs6428677, ClinGen allele CA10607731.